The following is an entry in ClinVar:

ClinVar aggregate classification (germline): Conflicting classifications of pathogenicity. Review status: criteria provided, conflicting classifications (1 of 4 stars). 10 submissions from 6 submitters: Uncertain significance (3); Benign (2); Likely benign (3). 2 of the submissions do not count toward it. Last evaluated 2023-11-30.

Conditions:
Early-onset myopathy with fatal cardiomyopathy (CMYO5). Also called: Salih Myopathy; CONGENITAL MYOPATHY 5 WITH CARDIOMYOPATHY. Identifiers: Orphanet 289377, MedGen C2673677, MONDO:0012714, OMIM 611705. Disease mechanism: loss of function.
Myopathy, myofibrillar, 9, with early respiratory failure (MFM9). Also called: Hereditary myopathy with early respiratory failure; Myopathy, distal, with early respiratory failure, autosomal dominant; EDSTROM MYOPATHY; MYOPATHY, PROXIMAL, WITH EARLY RESPIRATORY MUSCLE INVOLVEMENT. Identifiers: Orphanet 178464, Orphanet 34521, MedGen C1863599, MONDO:0011362, OMIM 603689.
Autosomal recessive limb-girdle muscular dystrophy type 2J (LGMDR10). Also called: Limb-girdle muscular dystrophy, type 2J; MUSCULAR DYSTROPHY, LIMB-GIRDLE, AUTOSOMAL RECESSIVE 10. Identifiers: Orphanet 140922, MedGen C1837342, MONDO:0012127, OMIM 608807.
Cardiovascular phenotype. Identifiers: MedGen CN230736.
Dilated cardiomyopathy 1G (CMD1G). Identifiers: Orphanet 154, MedGen C1858763, MONDO:0011400, OMIM 604145.
Tibial muscular dystrophy (TMD). Also called: Tibial muscular dystrophy, tardive; UDD MYOPATHY; Udd Distal Myopathy – Tibial Muscular Dystrophy. Identifiers: Orphanet 609, MedGen C1838244, MONDO:0010870, OMIM 600334.

Allele frequency attached by ClinVar (database versions not stated): TOPMed 0.00004; ExAC 0.00007; gnomAD exomes 0.00008; gnomAD 0.00009; ESP Exome Variant Server 0.00017; 1000 Genomes Project 0.00020; 1000 Genomes Project 30x 0.00031.
gnomAD v4.1: 126 of 1,613,946 alleles (0.0078%); highest among the groups gnomAD compares: Admixed American, 0.012%; no homozygotes.

Submissions (10):

Blueprint Genetics
Classification: Likely benign. Last evaluated: 2023-11-30. Review status: criteria provided, single submitter. Criteria: ACMG Guidelines, 2015. Collection method: clinical testing. Allele origin: germline.

Labcorp Genetics (formerly Invitae), Labcorp
Classification: Likely benign for Dilated cardiomyopathy 1G; Autosomal recessive limb-girdle muscular dystrophy type 2J. Last evaluated: 2022-04-29. Review status: criteria provided, single submitter. Criteria: Invitae Variant Classification Sherloc (09022015). Collection method: clinical testing. Allele origin: germline.

Ambry Genetics
Classification: Likely benign for Cardiovascular phenotype. Last evaluated: 2018-11-26. Review status: criteria provided, single submitter. Criteria: Ambry Variant Classification Scheme 2023. Collection method: clinical testing. Allele origin: germline.

Illumina Laboratory Services, Illumina
Classification: Uncertain significance for Dilated cardiomyopathy 1G. Last evaluated: 2018-01-12. Review status: criteria provided, single submitter. Criteria: ICSL Variant Classification Criteria 13 December 2019. Collection method: clinical testing. Allele origin: germline.

Illumina Laboratory Services, Illumina
Classification: Uncertain significance for Autosomal recessive limb-girdle muscular dystrophy type 2J. Last evaluated: 2018-01-12. Review status: criteria provided, single submitter. Criteria: ICSL Variant Classification Criteria 13 December 2019. Collection method: clinical testing. Allele origin: germline.

Illumina Laboratory Services, Illumina
Classification: Uncertain significance for Early-onset myopathy with fatal cardiomyopathy. Last evaluated: 2018-01-12. Review status: criteria provided, single submitter. Criteria: ICSL Variant Classification Criteria 13 December 2019. Collection method: clinical testing. Allele origin: germline.

Illumina Laboratory Services, Illumina
Classification: Benign for Myopathy, myofibrillar, 9, with early respiratory failure. Last evaluated: 2018-01-12. Review status: criteria provided, single submitter. Criteria: ICSL Variant Classification Criteria 13 December 2019. Collection method: clinical testing. Allele origin: germline.
Comment: This variant was observed in the ICSL laboratory as part of a predisposition screen in an ostensibly healthy population. It had not been previously curated by ICSL or reported in the Human Gene Mutation Database (HGMD: prior to June 1st, 2018), and was therefore a candidate for classification through an automated scoring system. Utilizing variant allele frequency, disease prevalence and penetrance estimates, and inheritance mode, an automated score was calculated to assess if this variant is too frequent to cause the disease. Based on the score and internal cut-off values, a variant classified as benign is not then subjected to further curation. The score for this variant resulted in a classification of benign for this disease.

Illumina Laboratory Services, Illumina
Classification: Benign for Tibial muscular dystrophy. Last evaluated: 2018-01-12. Review status: criteria provided, single submitter. Criteria: ICSL Variant Classification Criteria 13 December 2019. Collection method: clinical testing. Allele origin: germline.
Comment: the same text as in the submission from Illumina Laboratory Services, Illumina above.

Clinical Genetics, Academic Medical Center
Classification: Benign. Review status: no assertion criteria provided. Collection method: clinical testing. Allele origin: germline. Affected: yes. Study: VKGL Data-share Consensus. Not counted in ClinVar's aggregate classification.

Diagnostic Laboratory, Department of Genetics, University Medical Center Groningen
Classification: Likely benign. Review status: no assertion criteria provided. Collection method: clinical testing. Allele origin: germline. Affected: yes. Study: VKGL Data-share Consensus. Not counted in ClinVar's aggregate classification.

NM_001267550.2(TTN):c.103992C>G (p.Leu34664=)

Genes: TTN (titin; minus strand), TTN-AS1 (TTN antisense RNA 1; plus strand). Cytogenetic location: 2q31.2.
Variant type: single nucleotide variant.
Coding change: c.103992C>G on transcript NM_001267550.2 (MANE Select); coding-DNA position 103992, C replaced by G.
Protein change: p.Leu34664=; no amino-acid change (leucine 34664 retained).
Molecular consequence: synonymous variant.
Genome position (GRCh38, 1-based): chr2:178,532,623, G>C on the plus strand (C>G on the coding strand, the complement: TTN is on the minus strand). VCF-style: chr2-178532623-G-C. GRCh37 (hg19) VCF-style: chr2-179397350-G-C.
Other names: c.99069C>G, p.Leu33023= (NM_001256850.1); c.76797C>G, p.Leu25599= (NM_003319.4); c.96288C>G, p.Leu32096= (NM_133378.4); c.77172C>G, p.Leu25724= (NM_133432.3); c.77373C>G, p.Leu25791= (NM_133437.4).
Identifiers: ClinVar variation 332695 (VCV000332695.15), dbSNP rs375120372, ClinGen allele CA1985507.
Genomic context (GRCh38, chr2:178,532,623, plus strand): 5'-TTCAAGACGCAGCCTCTCTTCCTCTGTTCTTTTCATTGCTAAGTAGTCATCAATGGGGAG[G>C]AGTAATTCTTCATCAGAGATGTCCCCAAGAGAACGTCTTCTAGGTCGGTAGTAAAAGTCA-3'
Protein context (NP_001254479.2, residues 34654-34674): SLGDISDEEL[Leu34664=]LPIDDYLAMK